The following is an entry in ClinVar:

NM_012283.2(KCNG2):c.357C>T (p.Cys119=)

Gene: KCNG2 (potassium voltage-gated channel modifier subfamily G member 2; plus strand). Cytogenetic location: 18q23.
Variant type: single nucleotide variant.
Coding change: c.357C>T on transcript NM_012283.2 (MANE Select); coding-DNA position 357, C replaced by T.
Protein change: p.Cys119=; no amino-acid change (cysteine 119 retained).
Molecular consequence: synonymous variant.
Genome position (GRCh38, 1-based): chr18:79,864,024, C>T. VCF-style: chr18-79864024-C-T. GRCh37 (hg19) VCF-style: chr18-77624024-C-T.
Identifiers: ClinVar variation 2648837 (VCV002648837.24), dbSNP rs2511950085, ClinGen allele CA504867472.

ClinVar aggregate classification (germline): Likely benign (1 of 4 stars; one submission).

Submission:

CeGaT Center for Human Genetics Tuebingen
Classification: Likely benign. Last evaluated: 2022-10-01. Review status: criteria provided, single submitter. Criteria: CeGaT Center For Human Genetics Tuebingen Variant Classification Criteria Version 2. Collection method: clinical testing. Allele origin: germline. Affected: yes. Observed: 1 variant allele.
Comment: KCNG2: PM2:Supporting, BP4, BP7